The following is an entry in ClinVar:

NM_003995.4(NPR2):c.2359C>T (p.Arg787Trp)

Gene: NPR2 (natriuretic peptide receptor 2; plus strand). Cytogenetic location: 9p13.3.
Variant type: single nucleotide variant.
Coding change: c.2359C>T on transcript NM_003995.4 (MANE Select); coding-DNA position 2359, C replaced by T.
Protein change: p.Arg787Trp; replaces arginine 787 with tryptophan.
Molecular consequence: missense variant.
Genome position (GRCh38, 1-based): chr9:35,806,220, C>T. VCF-style: chr9-35806220-C-T. GRCh37 (hg19) VCF-style: chr9-35806217-C-T.
Other names: c.2368C>T, p.Arg790Trp (NM_001378923.1); short protein forms R787W, R790W.
Identifiers: ClinVar variation 772450 (VCV000772450.17), dbSNP rs114147262, ClinGen allele CA5051948.

ClinVar aggregate classification (germline): Conflicting classifications of pathogenicity. Review status: criteria provided, conflicting classifications (1 of 4 stars). 4 submissions from 4 submitters: Uncertain significance (1); Benign (1); Likely benign (1). 1 of the submissions does not count toward it. Last evaluated 2025-09-30.

Conditions:
Acromesomelic dysplasia 1, Maroteaux type (AMD1). Also called: ACROMESOMELIC DYSPLASIA 1; ST. HELENA DYSPLASIA. Identifiers: Orphanet 40, MedGen C1864356, MONDO:0011275, OMIM 602875.
NPR2-related disorder. Also called: NPR2-related disorders; NPR2-related condition.
Tall stature-scoliosis-macrodactyly of the great toes syndrome. Also called: Epiphyseal chondrodysplasia, miura type. Identifiers: Orphanet 329191, MedGen C4014690, MONDO:0014401, OMIM 615923.

Allele frequency attached by ClinVar (database versions not stated): ESP Exome Variant Server 0.00008; gnomAD 0.00013 and 0.00022; ExAC 0.00018; gnomAD exomes 0.00029; TOPMed 0.00035; 1000 Genomes Project 0.00160; 1000 Genomes Project 30x 0.00203.

Submissions (4):

Labcorp Genetics (formerly Invitae), Labcorp
Classification: Likely benign for Tall stature-scoliosis-macrodactyly of the great toes syndrome; Acromesomelic dysplasia 1, Maroteaux type. Last evaluated: 2025-09-30. Review status: criteria provided, single submitter. Criteria: Invitae Variant Classification Sherloc (09022015). Collection method: clinical testing. Allele origin: germline.

Blueprint Genetics
Classification: Uncertain significance. Last evaluated: 2024-05-28. Review status: criteria provided, single submitter. Criteria: ACMG Guidelines, 2015. Collection method: clinical testing. Allele origin: germline.

Illumina Laboratory Services, Illumina
Classification: Benign for Acromesomelic dysplasia 1, Maroteaux type. Last evaluated: 2017-04-27. Review status: criteria provided, single submitter. Criteria: ICSL Variant Classification Criteria 13 December 2019. Collection method: clinical testing. Allele origin: germline.
Comment: This variant was observed as part of a predisposition screen in an ostensibly healthy population. A literature search was performed for the gene, cDNA change, and amino acid change (where applicable). Publications were found based on this search. The evidence from the literature, in combination with allele frequency data from public databases where available, was sufficient to rule this variant out of causing disease. Therefore, this variant is classified as benign.

PreventionGenetics, part of Exact Sciences
Classification: Likely benign for NPR2-related condition. Last evaluated: 2021-10-12. Review status: no assertion criteria provided. Collection method: clinical testing. Allele origin: germline. Not counted in ClinVar's aggregate classification.
Comment: This variant is classified as likely benign based on ACMG/AMP sequence variant interpretation guidelines (Richards et al. 2015 PMID: 25741868, with internal and published modifications).

Literature cited by the submitters: PubMed 25703509 (cited by Illumina Laboratory Services, Illumina).